The following is an entry in ClinVar:

ClinVar aggregate classification (germline): Uncertain significance (1 of 4 stars; one submission).

Allele frequency attached by ClinVar (database versions not stated): gnomAD exomes below 0.00001; gnomAD 0.00001; TOPMed 0.00001; 1000 Genomes Project 30x 0.00031.
gnomAD v4.1: 3 of 1,614,234 alleles (0.00019%); highest among the groups gnomAD compares: Admixed American, 0.005%; no homozygotes.

Submission:

Labcorp Genetics (formerly Invitae), Labcorp
Classification: Uncertain significance. Last evaluated: 2023-09-20. Review status: criteria provided, single submitter. Criteria: Invitae Variant Classification Sherloc (09022015). Collection method: clinical testing. Allele origin: germline.
Comment: In summary, the available evidence is currently insufficient to determine the role of this variant in disease. Therefore, it has been classified as a Variant of Uncertain Significance. Algorithms developed to predict the effect of missense changes on protein structure and function output the following: SIFT: "Not Available"; PolyPhen-2: "Benign"; Align-GVGD: "Not Available". The serine amino acid residue is found in multiple mammalian species, which suggests that this missense change does not adversely affect protein function. This variant has not been reported in the literature in individuals affected with LETM1-related conditions. This variant is not present in population databases (gnomAD no frequency). This sequence change replaces asparagine, which is neutral and polar, with serine, which is neutral and polar, at codon 131 of the LETM1 protein (p.Asn131Ser).

NM_012318.3(LETM1):c.392A>G (p.Asn131Ser)

Gene: LETM1 (leucine zipper and EF-hand containing transmembrane protein 1; minus strand). Cytogenetic location: 4p16.3.
Variant type: single nucleotide variant.
Coding change: c.392A>G on transcript NM_012318.3 (MANE Select); coding-DNA position 392, A replaced by G.
Protein change: p.Asn131Ser; replaces asparagine 131 with serine.
Molecular consequence: missense variant.
Genome position (GRCh38, 1-based): chr4:1,841,549, T>C on the plus strand (A>G on the coding strand, the complement: LETM1 is on the minus strand). VCF-style: chr4-1841549-T-C. GRCh37 (hg19) VCF-style: chr4-1843276-T-C.
Other names: short protein forms N131S.
Identifiers: ClinVar variation 2983200 (VCV002983200.3), dbSNP rs549779322, ClinGen allele CA91280214.